The following is an entry in ClinVar:

ClinVar aggregate classification (germline): Benign/Likely benign. Review status: criteria provided, multiple submitters, no conflicts (2 of 4 stars). 3 submissions from 3 submitters: Benign (1); Likely benign (2). Last evaluated 2024-10-10.

Conditions:
Hereditary diffuse gastric adenocarcinoma (HDGC). Also called: DIFFUSE GASTRIC AND LOBULAR BREAST CANCER SYNDROME. Identifiers: Orphanet 26106, MedGen C1708349, MONDO:0007648, OMIM 137215.
Hereditary cancer-predisposing syndrome. Also called: Neoplastic Syndromes, Hereditary; Hereditary Cancer Syndrome; Hereditary neoplastic syndrome; Tumor predisposition. Identifiers: Orphanet 140162, MedGen C0027672, MeSH D009386, MONDO:0015356.

gnomAD v4.1: 1 of 1,614,226 alleles (0.000062%); highest among the groups gnomAD compares: Admixed American, 0.0017%; no homozygotes.

Submissions (3):

Myriad Genetics, Inc.
Classification: Benign for Hereditary diffuse gastric adenocarcinoma. Last evaluated: 2024-10-10. Review status: criteria provided, single submitter. Criteria: Myriad Autosomal Dominant, Autosomal Recessive and X-Linked Classification Criteria (2023). Collection method: clinical testing. Allele origin: unknown.
Comment: This variant is considered benign. This variant is a silent/synonymous amino acid change and it is not expected to impact splicing.

Ambry Genetics
Classification: Likely benign for Hereditary cancer-predisposing syndrome. Last evaluated: 2022-12-03. Review status: criteria provided, single submitter. Criteria: Ambry Variant Classification Scheme 2023. Collection method: clinical testing. Allele origin: germline.

Labcorp Genetics (formerly Invitae), Labcorp
Classification: Likely benign. Last evaluated: 2022-04-13. Review status: criteria provided, single submitter. Criteria: Invitae Variant Classification Sherloc (09022015). Collection method: clinical testing. Allele origin: germline.

NM_001903.5(CTNNA1):c.882G>A (p.Leu294=)

Gene: CTNNA1 (catenin alpha 1; plus strand). Cytogenetic location: 5q31.2.
Variant type: single nucleotide variant.
Coding change: c.882G>A on transcript NM_001903.5 (MANE Select); coding-DNA position 882, G replaced by A.
Protein change: p.Leu294=; no amino-acid change (leucine 294 retained).
Molecular consequence: synonymous variant.
Genome position (GRCh38, 1-based): chr5:138,827,538, G>A. VCF-style: chr5-138827538-G-A. GRCh37 (hg19) VCF-style: chr5-138163227-G-A.
Other names: c.882G>A, p.Leu294= (NM_001290307.3, NM_001323982.2, NM_001323983.1 and 3 more transcripts); c.573G>A, p.Leu191= (NM_001290309.3); c.513G>A, p.Leu171= (NM_001290310.3); c.882G>A (NM_001903.2).
Identifiers: ClinVar variation 1159479 (VCV001159479.12), dbSNP rs2149785477, ClinGen allele CA446595351.